The following is an entry in ClinVar:

NM_012179.4(FBXO7):c.925A>T (p.Lys309Ter)

Gene: FBXO7 (F-box protein 7; plus strand). Cytogenetic location: 22q12.3.
Variant type: single nucleotide variant.
Coding change: c.925A>T on transcript NM_012179.4 (MANE Select); coding-DNA position 925, A replaced by T.
Protein change: p.Lys309Ter; replaces lysine 309 with a stop codon.
Molecular consequence: nonsense.
Genome position (GRCh38, 1-based): chr22:32,491,139, A>T. VCF-style: chr22-32491139-A-T. GRCh37 (hg19) VCF-style: chr22-32887126-A-T.
Other names: c.688A>T, p.Lys230Ter (NM_001033024.2); c.583A>T, p.Lys195Ter (NM_001257990.2); short protein forms K195*, K230*, K309*.
Identifiers: ClinVar variation 2842805 (VCV002842805.3), dbSNP rs1275677869, ClinGen allele CA411334146.

ClinVar aggregate classification (germline): Pathogenic (1 of 4 stars; one submission).

Conditions:
Parkinsonian-pyramidal syndrome. Also called: PALLIDOPYRAMIDAL SYNDROME; PARKINSON DISEASE 15, AUTOSOMAL RECESSIVE; PARKINSON DISEASE 15, AUTOSOMAL RECESSIVE EARLY-ONSET. Identifiers: Orphanet 171695, MedGen C1850100, MONDO:0009830, OMIM 260300.

Submission:

Labcorp Genetics (formerly Invitae), Labcorp
Classification: Pathogenic for Parkinsonian-pyramidal syndrome. Last evaluated: 2023-09-08. Review status: criteria provided, single submitter. Criteria: Invitae Variant Classification Sherloc (09022015). Collection method: clinical testing. Allele origin: germline.
Comment: This variant has not been reported in the literature in individuals affected with FBXO7-related conditions. This sequence change creates a premature translational stop signal (p.Lys309*) in the FBXO7 gene. It is expected to result in an absent or disrupted protein product. Loss-of-function variants in FBXO7 are known to be pathogenic (PMID: 21347293). This variant is not present in population databases (gnomAD no frequency). For these reasons, this variant has been classified as Pathogenic.

Literature cited by the submitters: PubMed 21347293.